The following is an entry in ClinVar:

ClinVar aggregate classification (germline): Uncertain significance (1 of 4 stars; one submission).

Conditions:
Wiskott-Aldrich syndrome 2 (WAS2). Also called: WIPF1 DEFICIENCY. Identifiers: Orphanet 906, MedGen C3281001, MONDO:0013779, OMIM 614493.

Submission:

Labcorp Genetics (formerly Invitae), Labcorp
Classification: Uncertain significance for Wiskott-Aldrich syndrome 2. Last evaluated: 2024-11-04. Review status: criteria provided, single submitter. Criteria: Invitae Variant Classification Sherloc (09022015). Collection method: clinical testing. Allele origin: germline.
Comment: This sequence change replaces asparagine, which is neutral and polar, with serine, which is neutral and polar, at codon 52 of the WIPF1 protein (p.Asn52Ser). This variant is present in population databases (rs762807035, gnomAD 0.01%). This variant has not been reported in the literature in individuals affected with WIPF1-related conditions. An algorithm developed to predict the effect of missense changes on protein structure and function (PolyPhen-2) suggests that this variant is likely to be disruptive. In summary, the available evidence is currently insufficient to determine the role of this variant in disease. Therefore, it has been classified as a Variant of Uncertain Significance.

NM_001375834.1(WIPF1):c.155A>G (p.Asn52Ser)

Genes: WIPF1 (WAS/WASL interacting protein family member 1; minus strand), WIPF1-AS1 (WIPF1 and CHRNA1 antisense RNA 1; plus strand). Cytogenetic location: 2q31.1.
Variant type: single nucleotide variant.
Coding change: c.155A>G on transcript NM_001375834.1 (MANE Select); coding-DNA position 155, A replaced by G.
Protein change: p.Asn52Ser; replaces asparagine 52 with serine.
Molecular consequence: missense variant.
Genome position (GRCh38, 1-based): chr2:174,581,336, T>C on the plus strand (A>G on the coding strand, the complement: WIPF1 is on the minus strand). VCF-style: chr2-174581336-T-C. GRCh37 (hg19) VCF-style: chr2-175446064-T-C.
Other names: c.155A>G, p.Asn52Ser (NM_001077269.1, NM_001375832.1, NM_001375833.1 and 6 more transcripts); short protein forms N52S.
Identifiers: ClinVar variation 3703389 (VCV003703389.2).